The following is an entry in ClinVar:

NM_022437.3(ABCG8):c.1954G>A (p.Gly652Ser)

Gene: ABCG8 (ATP binding cassette subfamily G member 8; plus strand). Cytogenetic location: 2p21.
Variant type: single nucleotide variant.
Coding change: c.1954G>A on transcript NM_022437.3 (MANE Select); coding-DNA position 1954, G replaced by A.
Protein change: p.Gly652Ser; replaces glycine 652 with serine.
Molecular consequence: missense variant.
Genome position (GRCh38, 1-based): chr2:43,877,845, G>A. VCF-style: chr2-43877845-G-A. GRCh37 (hg19) VCF-style: chr2-44104984-G-A.
Other names: c.1951G>A, p.Gly651Ser (NM_001357321.2); short protein forms G651S, G652S.
Identifiers: ClinVar variation 1783280 (VCV001783280.4), dbSNP rs755130225, ClinGen allele CA1637729.

ClinVar aggregate classification (germline): Uncertain significance. Review status: criteria provided, multiple submitters, no conflicts (2 of 4 stars). 2 submissions from 2 submitters: Uncertain significance (2). Last evaluated 2025-09-18.

Conditions:
Cardiovascular phenotype. Identifiers: MedGen CN230736.

Allele frequency attached by ClinVar (database versions not stated): TOPMed below 0.00001; ExAC 0.00001.
gnomAD v4.1: 19 of 1,614,082 alleles (0.0012%); highest among the groups gnomAD compares: East Asian, 0.0022%; no homozygotes.

Submissions (2):

Ambry Genetics
Classification: Uncertain significance for Cardiovascular phenotype. Last evaluated: 2025-09-18. Review status: criteria provided, single submitter. Criteria: Ambry Variant Classification Scheme 2023. Collection method: clinical testing. Allele origin: germline.
Comment: The p.G652S variant (also known as c.1954G>A), located in coding exon 13 of the ABCG8 gene, results from a G to A substitution at nucleotide position 1954. The glycine at codon 652 is replaced by serine, an amino acid with similar properties. This amino acid position is conserved. In addition, this alteration is predicted to be tolerated by in silico analysis. Since supporting evidence is limited at this time, the clinical significance of this alteration remains unclear.

Labcorp Genetics (formerly Invitae), Labcorp
Classification: Uncertain significance. Last evaluated: 2025-06-03. Review status: criteria provided, single submitter. Criteria: Invitae Variant Classification Sherloc (09022015). Collection method: clinical testing. Allele origin: germline.
Comment: This sequence change replaces glycine, which is neutral and non-polar, with serine, which is neutral and polar, at codon 652 of the ABCG8 protein (p.Gly652Ser). This variant is present in population databases (rs755130225, gnomAD 0.002%). This variant has not been reported in the literature in individuals affected with ABCG8-related conditions. ClinVar contains an entry for this variant (Variation ID: 1783280). Invitae Evidence Modeling of protein sequence and biophysical properties (such as structural, functional, and spatial information, amino acid conservation, physicochemical variation, residue mobility, and thermodynamic stability) indicates that this missense variant is not expected to disrupt ABCG8 protein function with a negative predictive value of 80%. In summary, the available evidence is currently insufficient to determine the role of this variant in disease. Therefore, it has been classified as a Variant of Uncertain Significance.